The following is an entry in ClinVar:

ClinVar aggregate classification (germline): Uncertain significance (1 of 4 stars; one submission).

Conditions:
GNAS-related disorder. Identifiers: MedGen CN380105.

Submission:

PreventionGenetics, part of Exact Sciences
Classification: Uncertain significance for GNAS-related condition. Last evaluated: 2026-01-13. Review status: criteria provided, single submitter. Criteria: ACMG Guidelines, 2015. Collection method: clinical testing. Allele origin: germline.
Comment: The GNAS c.733_735delATC variant is predicted to result in an in-frame deletion (p.Ile245del). To our knowledge, this variant has not been reported in the literature or in a large population database (gnomAD), indicating this variant is rare. At this time, the clinical significance of this variant is uncertain due to the absence of conclusive functional and genetic evidence.

NM_000516.7(GNAS):c.730ATC[1] (p.Ile245del)

Gene: GNAS (GNAS complex locus; plus strand). Cytogenetic location: 20q13.32.
Variant type: Microsatellite.
Coding change: c.730ATC[1] on transcript NM_000516.7 (MANE Select); one copy of the 3-base unit ATC starting at c.730; the reference has two copies in a row; one copy, 3 bases deleted.
Protein change: p.Ile245del; deletes isoleucine 245.
Molecular consequence: inframe deletion. On other transcripts: 3 prime UTR variant (2).
Genome position (GRCh38, 1-based): chr20:58,909,698-58,909,700, ATC deleted; deleting any 3 consecutive bases within chr20:58,909,694-58,909,700 gives the same sequence; the position shown is the placement nearest the transcript's 3' end. VCF-style (leftmost placement, unchanged base first): chr20-58909693-CCAT-C. GRCh37 (hg19) VCF-style: chr20-57484748-CCAT-C.
Other names: c.733ATC[1], p.Ile246del (NM_001077488.5); c.685ATC[1], p.Ile230del (NM_001077489.4); c.*591ATC[1] (NM_001077490.3); c.553ATC[1], p.Ile186del (NM_001309840.2, NM_001309861.2, NM_001438276.1 and 1 more transcripts); c.634ATC[1], p.Ile213del (NM_001410912.1); c.2614ATC[1], p.Ile873del (NM_001410913.1); c.508ATC[1], p.Ile171del (NM_001438273.1, NM_001438274.1, NM_001438275.1); c.*636ATC[1] (NM_016592.5); and 2 more; short protein forms I213del, I231del, I245del, I186del, I171del, I230del, I246del, I873del.
Identifiers: ClinVar variation 4996693 (VCV004996693.1).